The following is an entry in ClinVar:

ClinVar aggregate classification (germline): Uncertain significance (1 of 4 stars; one submission).

Conditions:
Cardiovascular phenotype. Identifiers: MedGen CN230736.

Submission:

Ambry Genetics
Classification: Uncertain significance for Cardiovascular phenotype. Last evaluated: 2025-07-30. Review status: criteria provided, single submitter. Criteria: Ambry Variant Classification Scheme 2023. Collection method: clinical testing. Allele origin: germline.
Comment: The p.K220M variant (also known as c.659A>T), located in coding exon 8 of the TRDN gene, results from an A to T substitution at nucleotide position 659. The lysine at codon 220 is replaced by methionine, an amino acid with similar properties. This amino acid position is conserved. In addition, this alteration is predicted to be tolerated by in silico analysis. Based on the available evidence, the clinical significance of this variant remains unclear.

NM_006073.4(TRDN):c.659A>T (p.Lys220Met)

Gene: TRDN (triadin; minus strand). Cytogenetic location: 6q22.31.
Variant type: single nucleotide variant.
Coding change: c.659A>T on transcript NM_006073.4 (MANE Select); coding-DNA position 659, A replaced by T.
Protein change: p.Lys220Met; replaces lysine 220 with methionine.
Molecular consequence: missense variant.
Genome position (GRCh38, 1-based): chr6:123,503,853, T>A on the plus strand (A>T on the coding strand, the complement: TRDN is on the minus strand). VCF-style: chr6-123503853-T-A. GRCh37 (hg19) VCF-style: chr6-123824998-T-A.
Other names: c.659A>T, p.Lys220Met (NM_001251987.2, NM_001256020.2, NM_001256021.2 and 1 more transcripts); short protein forms K220M.
Identifiers: ClinVar variation 4190191 (VCV004190191.1).
Genomic context (GRCh38, chr6:123,503,853, plus strand): 5'-ACTTCTTTTACTTTTGCAGCTGTTTGCTTCACTTTCTCCTGTTTTCCACCTTTCACTTCC[T>A]TTTTAGTCTTTTCTTCACTCTTTTCTGCAGTCTTAGCTTTCTTCTGTTCTGTATAAAGTT-3'
Protein context (NP_006064.2, residues 210-230): TAEKSEEKTK[Lys220Met]EVKGGKQEKV